The following is an entry in ClinVar:

NM_006361.6(HOXB13):c.602-6G>A

Gene: HOXB13 (homeobox B13; minus strand). Cytogenetic location: 17q21.32.
Variant type: single nucleotide variant.
Coding change: c.602-6G>A on transcript NM_006361.6 (MANE Select); 6 bases into the intron before coding-DNA position 602, G replaced by A.
Molecular consequence: intron variant.
Genome position (GRCh38, 1-based): chr17:48,727,049, C>T on the plus strand (G>A on the coding strand, the complement: HOXB13 is on the minus strand). VCF-style: chr17-48727049-C-T. GRCh37 (hg19) VCF-style: chr17-46804411-C-T.
Identifiers: ClinVar variation 3684774 (VCV003684774.3).

ClinVar aggregate classification (germline): Likely benign. Review status: criteria provided, multiple submitters, no conflicts (2 of 4 stars). 2 submissions from 2 submitters: Likely benign (2). Last evaluated 2024-10-30.

Conditions:
Prostate cancer, hereditary, 9 (HPC9). Identifiers: Orphanet 1331, MedGen C1970250, MONDO:0012597, OMIM 610997.

gnomAD v4.1: 4 of 1,603,846 alleles (0.00025%); highest among the groups gnomAD compares: African/African-American, 0.0027%; no homozygotes.

Submissions (2):

Myriad Genetics, Inc.
Classification: Likely benign for Prostate cancer, hereditary, 9. Last evaluated: 2024-10-30. Review status: criteria provided, single submitter. Criteria: Myriad Autosomal Dominant, Autosomal Recessive and X-Linked Classification Criteria (2023). Collection method: clinical testing. Allele origin: unknown.
Comment: This variant is considered likely benign. This variant is intronic and is not expected to impact mRNA splicing.

Labcorp Genetics (formerly Invitae), Labcorp
Classification: Likely benign. Last evaluated: 2024-06-24. Review status: criteria provided, single submitter. Criteria: Invitae Variant Classification Sherloc (09022015). Collection method: clinical testing. Allele origin: germline.